The following is an entry in ClinVar:

ClinVar aggregate classification (germline): Conflicting classifications of pathogenicity. Review status: criteria provided, conflicting classifications (1 of 4 stars). 6 submissions from 6 submitters: Uncertain significance (1); Benign (1); Likely benign (4). Last evaluated 2026-01-26.

Conditions:
Inborn genetic diseases. Identifiers: MedGen C0950123, MeSH D030342.
Charcot-Marie-Tooth disease recessive intermediate C. Also called: CHARCOT-MARIE-TOOTH NEUROPATHY, RECESSIVE INTERMEDIATE C. Identifiers: Orphanet 369867, MedGen C3809309, MONDO:0014154, OMIM 615376.
Neuronopathy, distal hereditary motor, autosomal recessive 4. Also called: NEUROPATHY, DISTAL HEREDITARY MOTOR, AUTOSOMAL RECESSIVE 4; Autosomal recessive lower motor neuron disease with childhood onset. Identifiers: Orphanet 206580, MedGen C1970211, MONDO:0012608, OMIM 611067.

Allele frequency attached by ClinVar (database versions not stated): TOPMed 0.00002; 1000 Genomes Project 30x 0.00156; 1000 Genomes Project 0.00200.
gnomAD v4.1: 915 of 1,609,750 alleles (0.057%); highest among the groups gnomAD compares: South Asian, 0.91%; 10 homozygotes.

Submissions (6):

Labcorp Genetics (formerly Invitae), Labcorp
Classification: Benign for Neuronopathy, distal hereditary motor, autosomal recessive 4; Charcot-Marie-Tooth disease recessive intermediate C. Last evaluated: 2026-01-26. Review status: criteria provided, single submitter. Criteria: Invitae Variant Classification Sherloc (09022015). Collection method: clinical testing. Allele origin: germline.

Blueprint Genetics
Classification: Likely benign. Last evaluated: 2024-11-07. Review status: criteria provided, single submitter. Criteria: ACMG Guidelines, 2015. Collection method: clinical testing. Allele origin: germline.

Ambry Genetics
Classification: Likely benign for Inborn genetic diseases. Last evaluated: 2023-11-09. Review status: criteria provided, single submitter. Criteria: Ambry Variant Classification Scheme 2023. Collection method: clinical testing. Allele origin: germline.

CeGaT Center for Human Genetics Tuebingen
Classification: Likely benign. Last evaluated: 2023-07-01. Review status: criteria provided, single submitter. Criteria: CeGaT Center For Human Genetics Tuebingen Variant Classification Criteria Version 2. Collection method: clinical testing. Allele origin: germline. Affected: yes. Observed: 2 variant alleles.
Comment: PLEKHG5: BS2

GeneDx
Classification: Likely benign. Last evaluated: 2018-12-05. Review status: criteria provided, single submitter. Criteria: GeneDx Variant Classification Process June 2021. Collection method: clinical testing. Allele origin: germline. Affected: yes.

Illumina Laboratory Services, Illumina
Classification: Uncertain significance for Neuronopathy, distal hereditary motor, autosomal recessive 4. Last evaluated: 2017-04-28. Review status: criteria provided, single submitter. Criteria: ICSL Variant Classification Criteria 13 December 2019. Collection method: clinical testing. Allele origin: germline.

NM_020631.6(PLEKHG5):c.2458G>A (p.Gly820Ser)

Gene: PLEKHG5 (pleckstrin homology and RhoGEF domain containing G5; minus strand). Cytogenetic location: 1p36.31.
Variant type: single nucleotide variant.
Coding change: c.2458G>A on transcript NM_020631.6 (MANE Select); coding-DNA position 2458, G replaced by A.
Protein change: p.Gly820Ser; replaces glycine 820 with serine.
Molecular consequence: missense variant.
Genome position (GRCh38, 1-based): chr1:6,468,378, C>T on the plus strand (G>A on the coding strand, the complement: PLEKHG5 is on the minus strand). VCF-style: chr1-6468378-C-T. GRCh37 (hg19) VCF-style: chr1-6528438-C-T.
Other names: c.2569G>A, p.Gly857Ser (NM_001042663.3, NM_001265592.2); c.2458G>A, p.Gly820Ser (NM_001042664.2, NM_001042665.2, NM_001265594.3 and 1 more transcripts); c.2665G>A, p.Gly889Ser (NM_001265593.2); short protein forms G820S, G889S, G857S.
Identifiers: ClinVar variation 234692 (VCV000234692.59), dbSNP rs202191898, ClinGen allele CA561151.